The following is an entry in ClinVar:

NM_000059.4(BRCA2):c.227C>A (p.Ser76Ter)

Gene: BRCA2 (BRCA2 DNA repair associated; plus strand). Cytogenetic location: 13q13.1.
Variant type: single nucleotide variant.
Coding change: c.227C>A on transcript NM_000059.4 (MANE Select); coding-DNA position 227, C replaced by A.
Protein change: p.Ser76Ter; replaces serine 76 with a stop codon.
Molecular consequence: nonsense. On other transcripts: 5 prime UTR variant (1), non-coding transcript variant (1).
Genome position (GRCh38, 1-based): chr13:32,319,236, C>A. VCF-style: chr13-32319236-C-A. GRCh37 (hg19) VCF-style: chr13-32893373-C-A.
Other names: c.227C>A, p.Ser76Ter (NM_001406719.1, NM_001406720.1, NM_001406721.1); c.-143C>A (NM_001406722.1); short protein forms S76*.
Identifiers: ClinVar variation 3225815 (VCV003225815.1), dbSNP rs80358498, ClinGen allele CA387754484.

ClinVar aggregate classification (germline): Pathogenic (1 of 4 stars; one submission).

Conditions:
Hereditary cancer-predisposing syndrome. Also called: Neoplastic Syndromes, Hereditary; Tumor predisposition; Hereditary neoplastic syndrome; Hereditary Cancer Syndrome. Identifiers: Orphanet 140162, MedGen C0027672, MeSH D009386, MONDO:0015356.

Submission:

Ambry Genetics
Classification: Pathogenic for Hereditary cancer-predisposing syndrome. Last evaluated: 2023-12-09. Review status: criteria provided, single submitter. Criteria: Ambry Variant Classification Scheme 2023. Collection method: clinical testing. Allele origin: germline.
Comment: The p.S76* pathogenic mutation (also known as c.227C>A), located in coding exon 2 of the BRCA2 gene, results from a C to A substitution at nucleotide position 227. This changes the amino acid from a serine to a stop codon within coding exon 2. This alteration is expected to result in loss of function by premature protein truncation or nonsense-mediated mRNA decay. As such, this alteration is interpreted as a disease-causing mutation.